The following is an entry in ClinVar:

NM_212482.4(FN1):c.1232G>T (p.Arg411Leu)

Genes: FN1 (fibronectin 1; minus strand), LOC126806498 (CDK7 strongly-dependent group 2 enhancer GRCh37_chr2:216288045-216289244; plus strand). Cytogenetic location: 2q35.
Variant type: single nucleotide variant.
Coding change: c.1232G>T on transcript NM_212482.4 (MANE Select); coding-DNA position 1232, G replaced by T.
Protein change: p.Arg411Leu; replaces arginine 411 with leucine.
Molecular consequence: missense variant.
Genome position (GRCh38, 1-based): chr2:215,423,511, C>A on the plus strand (G>T on the coding strand, the complement: FN1 is on the minus strand). VCF-style: chr2-215423511-C-A. GRCh37 (hg19) VCF-style: chr2-216288234-C-A.
Other names: c.1232G>T, p.Arg411Leu (NM_001306129.2, NM_001306130.2, NM_001306131.2 and 14 more transcripts); short protein forms R411L.
Identifiers: ClinVar variation 1964613 (VCV001964613.6), dbSNP rs774390890, ClinGen allele CA2095327.

ClinVar aggregate classification (germline): Uncertain significance (1 of 4 stars; one submission).

Allele frequency attached by ClinVar (database versions not stated): ExAC 0.00001.

Submissions (2):

Labcorp Genetics (formerly Invitae), Labcorp
Classification: Uncertain significance. Last evaluated: 2024-06-17. Review status: criteria provided, single submitter. Criteria: Invitae Variant Classification Sherloc (09022015). Collection method: clinical testing. Allele origin: germline.
Comment: This sequence change replaces arginine, which is basic and polar, with leucine, which is neutral and non-polar, at codon 411 of the FN1 protein (p.Arg411Leu). This variant is present in population databases (rs774390890, gnomAD 0.002%). This variant has not been reported in the literature in individuals affected with FN1-related conditions. ClinVar contains an entry for this variant (Variation ID: 1964613). Advanced modeling of protein sequence and biophysical properties (such as structural, functional, and spatial information, amino acid conservation, physicochemical variation, residue mobility, and thermodynamic stability) performed at Invitae indicates that this missense variant is not expected to disrupt FN1 protein function with a negative predictive value of 80%. In summary, the available evidence is currently insufficient to determine the role of this variant in disease. Therefore, it has been classified as a Variant of Uncertain Significance.

Dr. Peter K. Rogan Lab, Western University
No classification provided (evidence only). Condition: Melanoma. Review status: no classification provided. Collection method: in vitro. Allele origin: not applicable. Functional consequence: retained intron. Not counted in ClinVar's aggregate classification.